The following is an entry in ClinVar:

ClinVar aggregate classification (germline): Likely benign (1 of 4 stars; one submission).

gnomAD v4.1: 10 of 763,404 alleles (0.0013%); highest among the groups gnomAD compares: African/African-American, 0.0044%; no homozygotes.

Submission:

CeGaT Center for Human Genetics Tuebingen
Classification: Likely benign. Last evaluated: 2025-06-01. Review status: criteria provided, single submitter. Criteria: CeGaT Center For Human Genetics Tuebingen Variant Classification Criteria Version 2. Collection method: clinical testing. Allele origin: germline. Affected: yes. Observed: 1 variant allele.
Comment: MAGEC1: BP4, BS2

NM_005462.5(MAGEC1):c.729C>T (p.Ser243=)

Gene: MAGEC1 (MAGE family member C1; plus strand). Cytogenetic location: Xq27.2.
Variant type: single nucleotide variant.
Coding change: c.729C>T on transcript NM_005462.5 (MANE Select); coding-DNA position 729, C replaced by T.
Protein change: p.Ser243=; no amino-acid change (serine 243 retained).
Molecular consequence: synonymous variant.
Genome position (GRCh38, 1-based): chrX:141,906,133, C>T. VCF-style: chrX-141906133-C-T. GRCh37 (hg19) VCF-style: chrX-140993919-C-T.
Identifiers: ClinVar variation 4084345 (VCV004084345.8).